The following is an entry in ClinVar:

ClinVar aggregate classification (germline): Uncertain significance. Review status: criteria provided, multiple submitters, no conflicts (2 of 4 stars). 2 submissions from 2 submitters: Uncertain significance (2). Last evaluated 2026-05-27.

Conditions:
Deficiency of UDPglucose-hexose-1-phosphate uridylyltransferase. Also called: Transferase Deficiency Galactosemia; GALACTOSE-1-PHOSPHATE URIDYLYLTRANSFERASE DEFICIENCY; GALACTOSEMIA I; GALT deficiency; Galactosemia, classic. Identifiers: Orphanet 352, Orphanet 79239, MedGen C0268151, MONDO:0009258, OMIM 230400.

Allele frequency attached by ClinVar (database versions not stated): gnomAD exomes below 0.00001.
gnomAD v4.1: 1 of 1,614,104 alleles (0.000062%); highest among the groups gnomAD compares: Non-Finnish European, 0.000085%; no homozygotes.

Submissions (2):

Myriad Genetics, Inc.
Classification: Uncertain significance for Deficiency of UDPglucose-hexose-1-phosphate uridylyltransferase. Last evaluated: 2026-05-27. Review status: criteria provided, single submitter. Criteria: Myriad Autosomal Dominant, Autosomal Recessive and X-Linked Classification Criteria (2023). Collection method: clinical testing. Allele origin: unknown.
Comment: NM_000155.3(GALT):c.1108C>T(Q370*) is a nonsense variant classified as a variant of uncertain significance in the context of galactosemia. Q370* has been observed in a case with relevant disease (PMID: 7887416). Relevant functional assessments of this variant are not available in the literature. Q370* has not been observed in referenced population frequency databases. In summary, there is insufficient evidence to classify NM_000155.3(GALT):c.1108C>T(Q370*) as pathogenic or benign. Please note: this variant was assessed in the context of healthy population screening.

Labcorp Genetics (formerly Invitae), Labcorp
Classification: Uncertain significance for Deficiency of UDPglucose-hexose-1-phosphate uridylyltransferase. Last evaluated: 2022-09-13. Review status: criteria provided, single submitter. Criteria: Invitae Variant Classification Sherloc (09022015). Collection method: clinical testing. Allele origin: germline.
Comment: This sequence change creates a premature translational stop signal (p.Gln370*) in the GALT gene. While this is not anticipated to result in nonsense mediated decay, it is expected to disrupt the last 10 amino acid(s) of the GALT protein. This variant is not present in population databases (gnomAD no frequency). This variant has not been reported in the literature in individuals affected with GALT-related conditions. Experimental studies and prediction algorithms are not available or were not evaluated, and the functional significance of this variant is currently unknown. In summary, the available evidence is currently insufficient to determine the role of this variant in disease. Therefore, it has been classified as a Variant of Uncertain Significance.

Literature cited by the submitters: PubMed 7887416 (cited by Myriad Genetics, Inc.).

NM_000155.4(GALT):c.1108C>T (p.Gln370Ter)

Gene: GALT (galactose-1-phosphate uridylyltransferase; plus strand). Cytogenetic location: 9p13.3.
Variant type: single nucleotide variant.
Coding change: c.1108C>T on transcript NM_000155.4 (MANE Select); coding-DNA position 1108, C replaced by T.
Protein change: p.Gln370Ter; replaces glutamine 370 with a stop codon.
Molecular consequence: nonsense.
Genome position (GRCh38, 1-based): chr9:34,650,417, C>T. VCF-style: chr9-34650417-C-T. GRCh37 (hg19) VCF-style: chr9-34650414-C-T.
Other names: c.781C>T, p.Gln261Ter (NM_001258332.2); short protein forms Q370*, Q261*.
Identifiers: ClinVar variation 2136761 (VCV002136761.2), dbSNP rs111033823, ClinGen allele CA259586.